The following is an entry in ClinVar:

NM_000092.5(COL4A4):c.2383+7G>A

Gene: COL4A4 (collagen type IV alpha 4 chain; minus strand). Cytogenetic location: 2q36.3.
Variant type: single nucleotide variant.
Coding change: c.2383+7G>A on transcript NM_000092.5 (MANE Select); 7 bases into the intron after coding-DNA position 2383, G replaced by A.
Molecular consequence: intron variant.
Genome position (GRCh38, 1-based): chr2:227,059,398, C>T on the plus strand (G>A on the coding strand, the complement: COL4A4 is on the minus strand). VCF-style: chr2-227059398-C-T. GRCh37 (hg19) VCF-style: chr2-227924114-C-T.
Identifiers: ClinVar variation 729071 (VCV000729071.17), dbSNP rs182406906, ClinGen allele CA2144824.

ClinVar aggregate classification (germline): Likely benign. Review status: criteria provided, multiple submitters, no conflicts (2 of 4 stars). 4 submissions from 4 submitters: Likely benign (3). 1 of the submissions does not count toward it. Last evaluated 2026-03-24.

Conditions:
COL4A4-related disorder.
Alport syndrome. Also called: Hemorrhagic familial nephritis; Hemorrhagic hereditary nephritis; Congenital hereditary hematuria. Identifiers: Orphanet 63, MedGen C1567741, MONDO:0018965.

Allele frequency attached by ClinVar (database versions not stated): gnomAD exomes 0.00003 and 0.00009; ExAC 0.00011; TOPMed 0.00031; gnomAD 0.00036 and 0.00039; 1000 Genomes Project 0.00040; 1000 Genomes Project 30x 0.00047; ESP Exome Variant Server 0.00050.
gnomAD v4.1: 97 of 1,613,070 alleles (0.006%); highest among the groups gnomAD compares: African/African-American, 0.12%; 1 homozygote.

Submissions (4):

PreventionGenetics, part of Exact Sciences
Classification: Likely benign for COL4A4-related condition. Last evaluated: 2026-03-24. Review status: criteria provided, single submitter. Criteria: ACMG Guidelines, 2015. Collection method: clinical testing. Allele origin: germline.
Comment: This variant is classified as likely benign based on ACMG/AMP sequence variant interpretation guidelines (Richards et al. 2015 PMID: 25741868, with internal and published modifications).

Labcorp Genetics (formerly Invitae), Labcorp
Classification: Likely benign. Last evaluated: 2026-01-24. Review status: criteria provided, single submitter. Criteria: Invitae Variant Classification Sherloc (09022015). Collection method: clinical testing. Allele origin: germline.

CeGaT Center for Human Genetics Tuebingen
Classification: Likely benign. Last evaluated: 2026-01-01. Review status: criteria provided, single submitter. Criteria: CeGaT Center For Human Genetics Tuebingen Variant Classification Criteria Version 2. Collection method: clinical testing. Allele origin: germline. Affected: yes. Observed: 1 variant allele.
Comment: COL4A4: BP4

Natera, Inc.
Classification: Uncertain significance for Alport syndrome. Last evaluated: 2020-02-13. Review status: no assertion criteria provided. Collection method: clinical testing. Allele origin: germline. Not counted in ClinVar's aggregate classification.